The following is an entry in ClinVar:

NM_206933.4(USH2A):c.9127_9129del (p.Pro3043del)

Gene: USH2A (usherin; minus strand). Cytogenetic location: 1q41.
Variant type: Deletion.
Coding change: c.9127_9129del on transcript NM_206933.4 (MANE Select); coding-DNA positions 9127 to 9129, 3 bases deleted (CCT; older notation c.9127_9129delCCT).
Protein change: p.Pro3043del; deletes proline 3043.
Molecular consequence: inframe deletion.
Genome position (GRCh38, 1-based): chr1:215,844,423-215,844,425, AGG deleted on the plus strand (CCT on the coding strand, the reverse complement: USH2A is on the minus strand); deleting any 3 consecutive bases within chr1:215,844,423-215,844,427 gives the same sequence; the c. name uses the placement nearest the transcript's 3' end. VCF-style (leftmost placement, unchanged base first): chr1-215844422-AAGG-A. GRCh37 (hg19) VCF-style: chr1-216017764-AAGG-A.
Other names: p.Pro3043del; c.9127_9129del (NM_206933.2); short protein forms P3043del.
Identifiers: ClinVar variation 556050 (VCV000556050.7), dbSNP rs760448755, ClinGen allele CA1394396.

ClinVar aggregate classification (germline): Uncertain significance. Review status: criteria provided, multiple submitters, no conflicts (2 of 4 stars). 7 submissions from 6 submitters: Uncertain significance (6). 1 of the submissions does not count toward it. Last evaluated 2026-07-09.

Conditions:
Retinitis pigmentosa 39 (RP39). Identifiers: Orphanet 791, MedGen C3151138, MONDO:0013436, OMIM 613809.
Usher syndrome type 2A. Also called: USHER SYNDROME, TYPE IIA; RETINAL DISEASE IN USHER SYNDROME TYPE IIA, MODIFIER OF. Identifiers: Orphanet 231178, Orphanet 886, MedGen C1848634, MONDO:0010169, OMIM 276901.
USH2A-related disorder. Also called: USH2A-related disorders; USH2A-related condition. Identifiers: MedGen CN239332.

Submissions (7):

PreventionGenetics, part of Exact Sciences
Classification: Uncertain significance for USH2A-related condition. Last evaluated: 2026-07-09. Review status: criteria provided, single submitter. Criteria: ACMG Guidelines, 2015. Collection method: clinical testing. Allele origin: germline.
Comment: The USH2A c.9127_9129delCCT variant is predicted to result in an in-frame deletion (p.Pro3043del). To our knowledge, this variant has not been reported in the literature. This variant is reported in 0.0065% of alleles in individuals of South Asian descent in gnomAD. At this time, the clinical significance of this variant is uncertain due to the absence of conclusive functional and genetic evidence.

Genome-Nilou Lab
Classification: Uncertain significance for Retinitis pigmentosa 39. Last evaluated: 2023-11-04. Review status: criteria provided, single submitter. Criteria: ACMG Guidelines, 2015. Collection method: clinical testing. Allele origin: germline. Affected: no.

Genome-Nilou Lab
Classification: Uncertain significance for Usher syndrome type 2A. Last evaluated: 2023-11-04. Review status: criteria provided, single submitter. Criteria: ACMG Guidelines, 2015. Collection method: clinical testing. Allele origin: germline. Affected: no.

Mayo Clinic Laboratories, Mayo Clinic
Classification: Uncertain significance. Last evaluated: 2023-02-03. Review status: criteria provided, single submitter. Criteria: ACMG Guidelines, 2015. Collection method: clinical testing. Allele origin: germline. Observed: 1 variant allele.
Comment: PM2, PM4

Labcorp Genetics (formerly Invitae), Labcorp
Classification: Uncertain significance. Last evaluated: 2022-09-28. Review status: criteria provided, single submitter. Criteria: Invitae Variant Classification Sherloc (09022015). Collection method: clinical testing. Allele origin: germline.
Comment: This variant, c.9127_9129del, results in the deletion of 1 amino acid(s) of the USH2A protein (p.Pro3043del), but otherwise preserves the integrity of the reading frame. This variant is present in population databases (rs760448755, gnomAD 0.006%). This variant has not been reported in the literature in individuals affected with USH2A-related conditions. ClinVar contains an entry for this variant (Variation ID: 556050). Experimental studies and prediction algorithms are not available or were not evaluated, and the functional significance of this variant is currently unknown. In summary, the available evidence is currently insufficient to determine the role of this variant in disease. Therefore, it has been classified as a Variant of Uncertain Significance.

Blueprint Genetics
Classification: Uncertain significance. Last evaluated: 2022-08-23. Review status: criteria provided, single submitter. Criteria: ACMG Guidelines, 2015. Collection method: clinical testing. Allele origin: germline.

Counsyl
Classification: Uncertain significance for Usher syndrome type 2A; Retinitis pigmentosa 39. Last evaluated: 2018-01-09. Review status: no assertion criteria provided. Collection method: clinical testing. Allele origin: unknown. Not counted in ClinVar's aggregate classification.